The following is an entry in ClinVar:

NM_000193.4(SHH):c.213G>A (p.Glu71=)

Gene: SHH (sonic hedgehog signaling molecule; minus strand). Cytogenetic location: 7q36.3.
Variant type: single nucleotide variant.
Coding change: c.213G>A on transcript NM_000193.4 (MANE Select); coding-DNA position 213, G replaced by A.
Protein change: p.Glu71=; no amino-acid change (glutamic acid 71 retained).
Molecular consequence: synonymous variant.
Genome position (GRCh38, 1-based): chr7:155,811,910, C>T on the plus strand (G>A on the coding strand, the complement: SHH is on the minus strand). VCF-style: chr7-155811910-C-T. GRCh37 (hg19) VCF-style: chr7-155604604-C-T.
Other names: c.213G>A (NM_000193.3).
Identifiers: ClinVar variation 533432 (VCV000533432.13), dbSNP rs200317108, ClinGen allele CA4587080.

ClinVar aggregate classification (germline): Benign/Likely benign. Review status: criteria provided, multiple submitters, no conflicts (2 of 4 stars). 3 submissions from 3 submitters: Benign (1); Likely benign (1). 1 of the submissions does not count toward it. Last evaluated 2025-08-18.

Conditions:
SHH-related disorder. Also called: SHH-related condition; SHH-related disorders.
Holoprosencephaly 3 (HPE3). Identifiers: Orphanet 2162, MedGen C1840529, MONDO:0007733, OMIM 142945.

Allele frequency attached by ClinVar (database versions not stated): gnomAD exomes 0.00002 and 0.00007; ExAC 0.00005; ESP Exome Variant Server 0.00008; gnomAD 0.00026; 1000 Genomes Project 30x 0.00031; TOPMed 0.00031; 1000 Genomes Project 0.00040.
gnomAD v4.1: 73 of 1,614,150 alleles (0.0045%); highest among the groups gnomAD compares: African/African-American, 0.088%; no homozygotes.

Submissions (3):

Labcorp Genetics (formerly Invitae), Labcorp
Classification: Likely benign for Holoprosencephaly 3. Last evaluated: 2025-08-18. Review status: criteria provided, single submitter. Criteria: Invitae Variant Classification Sherloc (09022015). Collection method: clinical testing. Allele origin: germline.

GeneDx
Classification: Benign. Last evaluated: 2015-03-03. Review status: criteria provided, single submitter. Criteria: GeneDx Variant Classification Process June 2021. Collection method: clinical testing. Allele origin: germline. Affected: yes.

PreventionGenetics, part of Exact Sciences
Classification: Likely benign for SHH-related condition. Last evaluated: 2020-07-03. Review status: no assertion criteria provided. Collection method: clinical testing. Allele origin: germline. Not counted in ClinVar's aggregate classification.
Comment: This variant is classified as likely benign based on ACMG/AMP sequence variant interpretation guidelines (Richards et al. 2015 PMID: 25741868, with internal and published modifications).